The following is an entry in ClinVar:

NM_194248.3(OTOF):c.481C>T (p.Arg161Trp)

Gene: OTOF (otoferlin; minus strand). Cytogenetic location: 2p23.3.
Variant type: single nucleotide variant.
Coding change: c.481C>T on transcript NM_194248.3 (MANE Select); coding-DNA position 481, C replaced by T.
Protein change: p.Arg161Trp; replaces arginine 161 with tryptophan.
Molecular consequence: missense variant.
Genome position (GRCh38, 1-based): chr2:26,516,446, G>A on the plus strand (C>T on the coding strand, the complement: OTOF is on the minus strand). VCF-style: chr2-26516446-G-A. GRCh37 (hg19) VCF-style: chr2-26739314-G-A.
Other names: c.481C>T, p.Arg161Trp (NM_001287489.2); short protein forms R161W.
Identifiers: ClinVar variation 1686686 (VCV001686686.7), dbSNP rs377378925, ClinGen allele CA1564659.
Genomic context (GRCh38, chr2:26,516,446, plus strand): 5'-CAGTGGGCAGCCAGAGGGGTCCTGCCTGTTACCTCCGGAAGCTCTTCTCTCCTGGGGGCC[G>A]GGAGCTGGGCCGGGAGCCTGGGAGCAGTCCATCCGTCTCTTGGCTGTCCTTCTCTTCCTC-3'
Protein context (NP_919224.1, residues 151-171): GLLPGSRPSS[Arg161Trp]PPGEKSFRRA

ClinVar aggregate classification (germline): Conflicting classifications of pathogenicity. Review status: criteria provided, conflicting classifications (1 of 4 stars). 2 submissions from 2 submitters: Uncertain significance (1); Likely benign (1). Last evaluated 2025-09-16.

Allele frequency attached by ClinVar (database versions not stated): ESP Exome Variant Server 0.00008.
gnomAD v4.1: 35 of 1,613,762 alleles (0.0022%); highest among the groups gnomAD compares: Admixed American, 0.032%; no homozygotes.

Submissions (2):

Labcorp Genetics (formerly Invitae), Labcorp
Classification: Likely benign. Last evaluated: 2025-09-16. Review status: criteria provided, single submitter. Criteria: Invitae Variant Classification Sherloc (09022015). Collection method: clinical testing. Allele origin: germline.

GeneDx
Classification: Uncertain significance. Last evaluated: 2025-01-23. Review status: criteria provided, single submitter. Criteria: GeneDx Variant Classification Process June 2021. Collection method: clinical testing. Allele origin: germline.
Comment: In silico analysis indicates that this missense variant does not alter protein structure/function; Has not been previously published as pathogenic or benign to our knowledge